The following is an entry in ClinVar:

NM_001005273.3(CHD3):c.5500G>A (p.Ala1834Thr)

Gene: CHD3 (chromodomain helicase DNA binding protein 3; plus strand). Cytogenetic location: 17p13.1.
Variant type: single nucleotide variant.
Coding change: c.5500G>A on transcript NM_001005273.3 (MANE Select); coding-DNA position 5500, G replaced by A.
Protein change: p.Ala1834Thr; replaces alanine 1834 with threonine.
Molecular consequence: missense variant.
Genome position (GRCh38, 1-based): chr17:7,909,248, G>A. VCF-style: chr17-7909248-G-A. GRCh37 (hg19) VCF-style: chr17-7812566-G-A.
Other names: c.5677G>A (NM_001005271.2); c.5677G>A, p.Ala1893Thr (NM_001005271.3); c.5398G>A, p.Ala1800Thr (NM_005852.4); short protein forms A1800T, A1834T, A1893T.
Identifiers: ClinVar variation 2647435 (VCV002647435.25), dbSNP rs755801203, ClinGen allele CA8363664.
Genomic context (GRCh38, chr17:7,909,248, plus strand): 5'-GCCTACCTGAACCTGTCGCAGGAGCCGGCGCACCCCGCCATGGCCCTCCACGCCCGCTTC[G>A]CCGAGGCCGAGTGCCTGGCCGAGAGCCACCAGCACCTCTCCAAGGAGTCGCTGGCGGGGA-3'
Protein context (NP_001005273.1, residues 1824-1844): HPAMALHARF[Ala1834Thr]EAECLAESHQ

ClinVar aggregate classification (germline): Conflicting classifications of pathogenicity. Review status: criteria provided, conflicting classifications (1 of 4 stars). 2 submissions from 2 submitters: Uncertain significance (1); Likely benign (1). Last evaluated 2023-10-01.

Conditions:
Inborn genetic diseases. Identifiers: MedGen C0950123, MeSH D030342.

Allele frequency attached by ClinVar (database versions not stated): TOPMed 0.00010; gnomAD 0.00012; 1000 Genomes Project 30x 0.00031.
gnomAD v4.1: 142 of 1,553,492 alleles (0.0091%); highest among the groups gnomAD compares: Non-Finnish European, 0.012%; no homozygotes.

Submissions (2):

CeGaT Center for Human Genetics Tuebingen
Classification: Uncertain significance. Last evaluated: 2023-10-01. Review status: criteria provided, single submitter. Criteria: CeGaT Center For Human Genetics Tuebingen Variant Classification Criteria Version 2. Collection method: clinical testing. Allele origin: germline. Affected: yes. Observed: 2 variant alleles.
Comment: CHD3: PP2

Ambry Genetics
Classification: Likely benign for Inborn genetic diseases. Last evaluated: 2022-02-24. Review status: criteria provided, single submitter. Criteria: Ambry Variant Classification Scheme 2023. Collection method: clinical testing. Allele origin: germline.